The following is an entry in ClinVar:

NM_198271.5(LMOD3):c.637dup (p.Ile213fs)

Gene: LMOD3 (leiomodin 3; minus strand). Cytogenetic location: 3p14.1.
Variant type: Duplication.
Coding change: c.637dup on transcript NM_198271.5 (MANE Select); coding-DNA position 637, one base duplicated (A; older notation c.637dupA).
Protein change: p.Ile213fs; shifts the reading frame from isoleucine 213.
Molecular consequence: frameshift variant.
Genome position (GRCh38, 1-based): chr3:69,119,718, T duplicated on the plus strand (A on the coding strand, the reverse complement: LMOD3 is on the minus strand); the first of 7 consecutive T bases (chr3:69,119,718-69,119,724); duplicating any one gives the same sequence. VCF-style (leftmost placement, unchanged base first): chr3-69119717-A-AT. GRCh37 (hg19) VCF-style: chr3-69168868-A-AT.
Other names: c.637dup, p.Ile213fs (NM_001304418.3); short protein forms I213fs.
Identifiers: ClinVar variation 3012412 (VCV003012412.5), dbSNP rs773282804, ClinGen allele CA2488947.

ClinVar aggregate classification (germline): Pathogenic. Review status: criteria provided, multiple submitters, no conflicts (2 of 4 stars). 2 submissions from 2 submitters: Pathogenic (2). Last evaluated 2024-10-07.

Conditions:
Nemaline myopathy 10 (NEM10). Identifiers: MedGen C4015360, MONDO:0014513, OMIM 616165.

Submissions (2):

Victorian Clinical Genetics Services, Murdoch Childrens Research Institute
Classification: Pathogenic for Nemaline myopathy 10. Last evaluated: 2024-10-07. Review status: criteria provided, single submitter. Criteria: ACMG Guidelines, 2015. Collection method: clinical testing. Allele origin: germline. Affected: yes.
Comment: This variant is classified as Pathogenic. Evidence in support of pathogenic classification: Variant is predicted to cause nonsense-mediated decay (NMD) and loss of protein (premature termination codon is located at least 54 nucleotides upstream of the final exon-exon junction); Variant is present in gnomAD <0.01 for a recessive condition (v4: 7 heterozygote(s), 0 homozygote(s)); This variant has limited previous evidence of pathogenicity in an unrelated individual(s). This variant has been classified as pathogenic by a clinical laboratory in ClinVar; Other NMD-predicted variant(s) comparable to the one identified in this case have very strong previous evidence for pathogenicity (DECIPHER). Additional information: This variant is homozygous; This gene is associated with autosomal recessive disease; No published segregation evidence has been identified for this variant; No published functional evidence has been identified for this variant; Loss of function is a known mechanism of disease in this gene and is associated with nemaline myopathy 10 (MIM# 616165).

Labcorp Genetics (formerly Invitae), Labcorp
Classification: Pathogenic for Nemaline myopathy 10. Last evaluated: 2023-04-08. Review status: criteria provided, single submitter. Criteria: Invitae Variant Classification Sherloc (09022015). Collection method: clinical testing. Allele origin: germline.
Comment: For these reasons, this variant has been classified as Pathogenic. This variant has not been reported in the literature in individuals affected with LMOD3-related conditions. This variant is present in population databases (rs773282804, gnomAD 0.006%). This sequence change creates a premature translational stop signal (p.Ile213Asnfs*7) in the LMOD3 gene. It is expected to result in an absent or disrupted protein product. Loss-of-function variants in LMOD3 are known to be pathogenic (PMID: 25250574).

Literature cited by the submitters: PubMed 25250574 (cited by Labcorp Genetics (formerly Invitae), Labcorp).